The following is an entry in ClinVar:

ClinVar aggregate classification (germline): Likely benign (1 of 4 stars; one submission).

Conditions:
Progressive sclerosing poliodystrophy (MTDPS4A). Also called: Alpers-Huttenlocher Syndrome (AHS); Alpers Syndrome; ALPERS PROGRESSIVE INFANTILE POLIODYSTROPHY; Mitochondrial DNA depletion syndrome 4A (Alpers type); ALPERS DIFFUSE DEGENERATION OF CEREBRAL GRAY MATTER WITH HEPATIC CIRRHOSIS; Alpers-Huttenlocher Syndrome. Identifiers: Orphanet 726, MedGen C0205710, MONDO:0008758, OMIM 203700.

Allele frequency attached by ClinVar (database versions not stated): ESP Exome Variant Server 0.00008; gnomAD 0.00009; ExAC 0.00010; TOPMed 0.00013; gnomAD exomes 0.00015.
gnomAD v4.1: 77 of 1,547,244 alleles (0.005%); highest among the groups gnomAD compares: Admixed American, 0.068%; no homozygotes.

Submission:

Wong Mito Lab, Molecular and Human Genetics, Baylor College of Medicine
Classification: Likely benign for Progressive sclerosing poliodystrophy. Last evaluated: 2018-10-01. Review status: criteria provided, single submitter. Criteria: ACMG Guidelines, 2015. Collection method: clinical testing. Allele origin: germline.
Comment: The NM_002693.2:c.1250+37G>T (NP_002684.1:p.=) [GRCH38: NC_000015.10:g.89328419C>A] variant in POLG gene is interpretated to be a Likely Benign based on ACMG guidelines (PMID: 25741868). This variant meets the following evidence codes reported in the ACMG-guideline. BP6:Reputable source(s) without shared data suggest the variant is benign. BP4:Computational evidence/predictors indicate no impact on the POLG structure, function, or protein-protein interaction. Based on the evidence criteria codes applied, the variant is suggested to be Likely Benign.

NM_002693.3(POLG):c.1250+37G>T

Gene: POLG (DNA polymerase gamma, catalytic subunit; minus strand). Cytogenetic location: 15q26.1.
Variant type: single nucleotide variant.
Coding change: c.1250+37G>T on transcript NM_002693.3 (MANE Select); 37 bases into the intron after coding-DNA position 1250, G replaced by T.
Molecular consequence: intron variant.
Genome position (GRCh38, 1-based): chr15:89,328,419, C>A on the plus strand (G>T on the coding strand, the complement: POLG is on the minus strand). VCF-style: chr15-89328419-C-A. GRCh37 (hg19) VCF-style: chr15-89871650-C-A.
Other names: c.1250+37G>T (NM_001126131.2).
Identifiers: ClinVar variation 619355 (VCV000619355.1), dbSNP rs372614123, ClinGen allele CA7724906.